The following is an entry in ClinVar:

NM_001379500.1(COL18A1):c.107-7T>C

Gene: COL18A1 (collagen type XVIII alpha 1 chain; plus strand). Cytogenetic location: 21q22.3.
Variant type: single nucleotide variant.
Coding change: c.107-7T>C on transcript NM_001379500.1 (MANE Select); 7 bases into the intron before coding-DNA position 107, T replaced by C.
Molecular consequence: intron variant.
Genome position (GRCh38, 1-based): chr21:45,468,235, T>C. VCF-style: chr21-45468235-T-C. GRCh37 (hg19) VCF-style: chr21-46888149-T-C.
Other names: c.1352-7T>C (NM_130444.3); c.647-7T>C (NM_030582.4).
Identifiers: ClinVar variation 5040229 (VCV005040229.1).

ClinVar aggregate classification (germline): Likely benign (1 of 4 stars; one submission).

gnomAD v4.1: 1 of 1,612,858 alleles (0.000062%); highest among the groups gnomAD compares: Admixed American, 0.0017%; no homozygotes.

Submission:

CeGaT Center for Human Genetics Tuebingen
Classification: Likely benign. Last evaluated: 2026-07-01. Review status: criteria provided, single submitter. Criteria: CeGaT Center For Human Genetics Tuebingen Variant Classification Criteria Version 2. Collection method: clinical testing. Allele origin: germline. Affected: yes. Observed: 1 variant allele.
Comment: COL18A1: BP4